The following is an entry in ClinVar:

NM_002185.5(IL7R):c.233T>C (p.Val78Ala)

Gene: IL7R (interleukin 7 receptor; plus strand). Cytogenetic location: 5p13.2.
Variant type: single nucleotide variant.
Coding change: c.233T>C on transcript NM_002185.5 (MANE Select); coding-DNA position 233, T replaced by C.
Protein change: p.Val78Ala; replaces valine 78 with alanine.
Molecular consequence: missense variant. On other transcripts: non-coding transcript variant (1).
Genome position (GRCh38, 1-based): chr5:35,867,317, T>C. VCF-style: chr5-35867317-T-C. GRCh37 (hg19) VCF-style: chr5-35867419-T-C.
Other names: short protein forms V78A.
Identifiers: ClinVar variation 1352014 (VCV001352014.8), dbSNP rs1301073730, ClinGen allele CA359427641.

ClinVar aggregate classification (germline): Uncertain significance (1 of 4 stars; one submission).

Conditions:
Immunodeficiency 104. Also called: Severe combined immunodeficiency, autosomal recessive, T cell-negative, B cell-positive, NK cell-positive; Severe Combined Immune Deficiency, Autosomal Recessive, TCell -Negative, B Cell-Positive, NK Cell-Positive, IL7R-Related; SCID, AUTOSOMAL RECESSIVE, T CELL-NEGATIVE, B CELL-POSITIVE, NK CELL-POSITIVE; IMMUNODEFICIENCY 104, SEVERE COMBINED. Identifiers: MedGen C5676890, MONDO:0012163, OMIM 608971.

Allele frequency attached by ClinVar (database versions not stated): gnomAD exomes below 0.00001.
gnomAD v4.1: 3 of 1,613,524 alleles (0.00019%); highest among the groups gnomAD compares: Non-Finnish European, 0.00025%; no homozygotes.

Submission:

Labcorp Genetics (formerly Invitae), Labcorp
Classification: Uncertain significance for Immunodeficiency 104. Last evaluated: 2021-05-07. Review status: criteria provided, single submitter. Criteria: Invitae Variant Classification Sherloc (09022015). Collection method: clinical testing. Allele origin: germline.
Comment: In summary, the available evidence is currently insufficient to determine the role of this variant in disease. Therefore, it has been classified as a Variant of Uncertain Significance. Advanced modeling of protein sequence and biophysical properties (such as structural, functional, and spatial information, amino acid conservation, physicochemical variation, residue mobility, and thermodynamic stability) performed at Invitae indicates that this missense variant is not expected to disrupt IL7R protein function. This variant has not been reported in the literature in individuals with IL7R-related conditions. This variant is not present in population databases (ExAC no frequency). This sequence change replaces valine with alanine at codon 78 of the IL7R protein (p.Val78Ala). The valine residue is weakly conserved and there is a small physicochemical difference between valine and alanine.